The following is an entry in ClinVar:

NM_004100.5(EYA4):c.1450C>T (p.Arg484Cys)

Genes: EYA4 (EYA transcriptional coactivator and phosphatase 4; plus strand), TARID (TCF21 antisense RNA inducing promoter demethylation; minus strand). Cytogenetic location: 6q23.2.
Variant type: single nucleotide variant.
Coding change: c.1450C>T on transcript NM_004100.5 (MANE Select); coding-DNA position 1450, C replaced by T.
Protein change: p.Arg484Cys; replaces arginine 484 with cysteine.
Molecular consequence: missense variant.
Genome position (GRCh38, 1-based): chr6:133,512,987, C>T. VCF-style: chr6-133512987-C-T. GRCh37 (hg19) VCF-style: chr6-133834125-C-T.
Other names: c.1288C>T, p.Arg430Cys (NM_001301012.2); c.1468C>T, p.Arg490Cys (NM_001301013.2); c.1381C>T, p.Arg461Cys (NM_001370458.1, NM_172103.4); c.1306C>T, p.Arg436Cys (NM_001370459.1); c.1450C>T, p.Arg484Cys (NM_172105.4); short protein forms R430C, R461C, R490C, R436C, R484C.
Identifiers: ClinVar variation 3511141 (VCV003511141.1).

ClinVar aggregate classification (germline): Uncertain significance (1 of 4 stars; one submission).

Conditions:
Cardiovascular phenotype. Identifiers: MedGen CN230736.

gnomAD v4.1: 2 of 1,614,036 alleles (0.00012%); highest among the groups gnomAD compares: Non-Finnish European, 0.00017%; no homozygotes.

Submission:

Ambry Genetics
Classification: Uncertain significance for Cardiovascular phenotype. Last evaluated: 2024-09-05. Review status: criteria provided, single submitter. Criteria: Ambry Variant Classification Scheme 2023. Collection method: clinical testing. Allele origin: germline.
Comment: The p.R484C variant (also known as c.1450C>T), located in coding exon 15 of the EYA4 gene, results from a C to T substitution at nucleotide position 1450. The arginine at codon 484 is replaced by cysteine, an amino acid with highly dissimilar properties. This amino acid position is highly conserved in available vertebrate species. In addition, this alteration is predicted to be deleterious by in silico analysis. Based on the available evidence, the clinical significance of this variant remains unclear.